The following is an entry in ClinVar:

NM_006231.4(POLE):c.3292A>G (p.Ile1098Val)

Gene: POLE (DNA polymerase epsilon, catalytic subunit; minus strand). Cytogenetic location: 12q24.33.
Variant type: single nucleotide variant.
Coding change: c.3292A>G on transcript NM_006231.4 (MANE Select); coding-DNA position 3292, A replaced by G.
Protein change: p.Ile1098Val; replaces isoleucine 1098 with valine.
Molecular consequence: missense variant.
Genome position (GRCh38, 1-based): chr12:132,657,954, T>C on the plus strand (A>G on the coding strand, the complement: POLE is on the minus strand). VCF-style: chr12-132657954-T-C. GRCh37 (hg19) VCF-style: chr12-133234540-T-C.
Other names: c.3292A>G (NM_006231.2); short protein forms I1098V.
Identifiers: ClinVar variation 644463 (VCV000644463.9), dbSNP rs1274951129, ClinGen allele CA387389835.
Genomic context (GRCh38, chr12:132,657,954, plus strand): 5'-AAGAGCTCTTGAGCCATTTCCGGAGAAAGTGCTTCCTCACCGTGGGCTCTGCTTGGAAAA[T>C]GGCAAGTGGGATGGCCCTGGGTAAGGAAGACAGGCACACAGCTCAGTAACAGTGAAAATC-3'
Protein context (NP_006222.2, residues 1088-1108): PVTERAIPLA[Ile1098Val]FQAEPTVRKH

ClinVar aggregate classification (germline): Uncertain significance. Review status: criteria provided, multiple submitters, no conflicts (2 of 4 stars). 2 submissions from 2 submitters: Uncertain significance (2). Last evaluated 2025-02-27.

Conditions:
Hereditary cancer-predisposing syndrome. Also called: Neoplastic Syndromes, Hereditary; Tumor predisposition; Hereditary neoplastic syndrome; Hereditary Cancer Syndrome. Identifiers: Orphanet 140162, MedGen C0027672, MeSH D009386, MONDO:0015356.

Allele frequency attached by ClinVar (database versions not stated): gnomAD exomes below 0.00001; TOPMed below 0.00001; gnomAD 0.00001.
gnomAD v4.1: 2 of 1,613,374 alleles (0.00012%); highest among the groups gnomAD compares: Non-Finnish European, 0.00017%; no homozygotes.

Submissions (2):

Labcorp Genetics (formerly Invitae), Labcorp
Classification: Uncertain significance. Last evaluated: 2025-02-27. Review status: criteria provided, single submitter. Criteria: Invitae Variant Classification Sherloc (09022015). Collection method: clinical testing. Allele origin: germline.
Comment: This sequence change replaces isoleucine, which is neutral and non-polar, with valine, which is neutral and non-polar, at codon 1098 of the POLE protein (p.Ile1098Val). This variant is not present in population databases (gnomAD no frequency). This variant has not been reported in the literature in individuals affected with POLE-related conditions. ClinVar contains an entry for this variant (Variation ID: 644463). Invitae Evidence Modeling of protein sequence and biophysical properties (such as structural, functional, and spatial information, amino acid conservation, physicochemical variation, residue mobility, and thermodynamic stability) has been performed for this missense variant. However, the output from this modeling did not meet the statistical confidence thresholds required to predict the impact of this variant on POLE protein function. In summary, the available evidence is currently insufficient to determine the role of this variant in disease. Therefore, it has been classified as a Variant of Uncertain Significance.

Ambry Genetics
Classification: Uncertain significance for Hereditary cancer-predisposing syndrome. Last evaluated: 2024-10-24. Review status: criteria provided, single submitter. Criteria: Ambry Variant Classification Scheme 2023. Collection method: clinical testing. Allele origin: germline.
Comment: The p.I1098V variant (also known as c.3292A>G), located in coding exon 27 of the POLE gene, results from an A to G substitution at nucleotide position 3292. The isoleucine at codon 1098 is replaced by valine, an amino acid with highly similar properties. This amino acid position is conserved. In addition, this alteration is predicted to be tolerated by in silico analysis. Based on the available evidence, the clinical significance of this variant remains unclear.